The following is an entry in ClinVar:

NM_206933.4(USH2A):c.12067-1G>C

Gene: USH2A (usherin; minus strand). Cytogenetic location: 1q41.
Variant type: single nucleotide variant.
Coding change: c.12067-1G>C on transcript NM_206933.4 (MANE Select); the canonical splice acceptor site of the intron before coding-DNA position 12067, G replaced by C.
Molecular consequence: splice acceptor variant.
Genome position (GRCh38, 1-based): chr1:215,680,377, C>G on the plus strand (G>C on the coding strand, the complement: USH2A is on the minus strand). VCF-style: chr1-215680377-C-G. GRCh37 (hg19) VCF-style: chr1-215853719-C-G.
Identifiers: ClinVar variation 48389 (VCV000048389.13), dbSNP rs397517977, ClinGen allele CA262072.
Genomic context (GRCh38, chr1:215,680,377, plus strand): 5'-ACCAATGCGATATGTTGTGAATGGTTCTAACCCGTACAGGTGGGCTTGATGGCTTGTTCC[C>G]TGTAAGAAAATTAACAGGTTAAGTTGTTGTTTTTTTTTTTTGAAACTGACAATATTGCTG-3'

ClinVar aggregate classification (germline): Pathogenic/Likely pathogenic. Review status: criteria provided, multiple submitters, no conflicts (2 of 4 stars). 6 submissions from 5 submitters: Pathogenic (3); Likely pathogenic (2). 1 of the submissions does not count toward it. Last evaluated 2023-10-11.

Conditions:
Rare genetic deafness. Identifiers: Orphanet 96210, MedGen C5680250.
Retinitis pigmentosa 39 (RP39). Identifiers: Orphanet 791, MedGen C3151138, MONDO:0013436, OMIM 613809.
Usher syndrome type 2A. Also called: RETINAL DISEASE IN USHER SYNDROME TYPE IIA, MODIFIER OF; USHER SYNDROME, TYPE IIA. Identifiers: Orphanet 231178, Orphanet 886, MedGen C1848634, MONDO:0010169, OMIM 276901.

Submissions (6):

Baylor Genetics
Classification: Pathogenic for Retinitis pigmentosa 39. Last evaluated: 2023-10-11. Review status: criteria provided, single submitter. Criteria: ACMG Guidelines, 2015. Collection method: clinical testing. Allele origin: unknown.

Genome-Nilou Lab
Classification: Likely pathogenic for Retinitis pigmentosa 39. Last evaluated: 2023-04-11. Review status: criteria provided, single submitter. Criteria: ACMG Guidelines, 2015. Collection method: clinical testing. Allele origin: germline. Affected: no.

Genome-Nilou Lab
Classification: Likely pathogenic for Usher syndrome type 2A. Last evaluated: 2023-04-11. Review status: criteria provided, single submitter. Criteria: ACMG Guidelines, 2015. Collection method: clinical testing. Allele origin: germline. Affected: no.

Labcorp Genetics (formerly Invitae), Labcorp
Classification: Pathogenic. Last evaluated: 2021-10-16. Review status: criteria provided, single submitter. Criteria: Invitae Variant Classification Sherloc (09022015). Collection method: clinical testing. Allele origin: germline.
Comment: For these reasons, this variant has been classified as Pathogenic. Algorithms developed to predict the effect of sequence changes on RNA splicing suggest that this variant may disrupt the consensus splice site. ClinVar contains an entry for this variant (Variation ID: 48389). Disruption of this splice site has been observed in individual(s) with Usher syndrome (PMID: 18452394). In at least one individual the data is consistent with the variant being in trans (on the opposite chromosome) from a pathogenic variant. It has also been observed to segregate with disease in related individuals. This variant is not present in population databases (ExAC no frequency). This sequence change affects an acceptor splice site in intron 61 of the USH2A gene. It is expected to disrupt RNA splicing. Variants that disrupt the donor or acceptor splice site typically lead to a loss of protein function (PMID: 16199547), and loss-of-function variants in USH2A are known to be pathogenic (PMID: 10729113, 10909849, 20507924, 25649381).

Laboratory for Molecular Medicine, Mass General Brigham Personalized Medicine
Classification: Pathogenic for Rare genetic deafness. Last evaluated: 2010-10-05. Review status: criteria provided, single submitter. Criteria: LMM Criteria. Collection method: clinical testing. Allele origin: germline. Observed: 2 variant alleles.
Comment: The 12067-1G>C variant in USH2A has not been reported in the literature nor prev iously identified by our laboratory. The 12067-1G>C variant is predicted to caus e abnormal splicing because the nucleotide substitution occurs in the invariant region of the splice consensus sequence. In summary, this variant meets our crit eria to be classified as pathogenic.

Counsyl
Classification: Likely pathogenic for Usher syndrome type 2A; Retinitis pigmentosa 39. Last evaluated: 2017-10-19. Review status: no assertion criteria provided. Collection method: clinical testing. Allele origin: unknown. Not counted in ClinVar's aggregate classification.

Literature cited by the submitters: PubMed 18452394 (cited by Labcorp Genetics (formerly Invitae), Labcorp); PubMed 16199547 (cited by Labcorp Genetics (formerly Invitae), Labcorp); PubMed 10729113 (cited by Labcorp Genetics (formerly Invitae), Labcorp); PubMed 10909849 (cited by Labcorp Genetics (formerly Invitae), Labcorp); PubMed 20507924 (cited by Labcorp Genetics (formerly Invitae), Labcorp); PubMed 25649381 (cited by Labcorp Genetics (formerly Invitae), Labcorp).